The following is an entry in ClinVar:

NM_003659.4(AGPS):c.926C>T (p.Thr309Ile)

Gene: AGPS (alkylglycerone phosphate synthase; plus strand). Cytogenetic location: 2q31.2.
Variant type: single nucleotide variant.
Coding change: c.926C>T on transcript NM_003659.4 (MANE Select); coding-DNA position 926, C replaced by T.
Protein change: p.Thr309Ile; replaces threonine 309 with isoleucine.
Molecular consequence: missense variant.
Genome position (GRCh38, 1-based): chr2:177,461,948, C>T. VCF-style: chr2-177461948-C-T. GRCh37 (hg19) VCF-style: chr2-178326676-C-T.
Other names: short protein forms T309I.
Identifiers: ClinVar variation 6646 (VCV000006646.3), dbSNP rs121434412, ClinGen allele CA118387.

ClinVar aggregate classification (germline): Likely pathogenic. Review status: criteria provided, multiple submitters, no conflicts (2 of 4 stars). 3 submissions from 3 submitters: Likely pathogenic (2). 1 of the submissions does not count toward it. Last evaluated 2025-09-23.

Conditions:
Rhizomelic chondrodysplasia punctata type 3 (RCDP3). Also called: Alkylglycerone Phosphate Synthase (AGPS) deficiency; ALKYLDIHYDROXYACETONEPHOSPHATE SYNTHASE DEFICIENCY. Identifiers: Orphanet 177, Orphanet 309803, MedGen C1838612, MONDO:0010823, OMIM 600121. Disease mechanism: loss of function.
Rhizomelic chondrodysplasia punctata (RCDP). Identifiers: Orphanet 177, MedGen C0282529, MONDO:0015776. Disease mechanism: loss of function.

Allele frequency attached by ClinVar (database versions not stated): TOPMed 0.00002.
gnomAD v4.1: 1 of 1,612,580 alleles (0.000062%); highest among the groups gnomAD compares: Non-Finnish European, 0.000085%; no homozygotes.

Submissions (3):

Women's Health and Genetics/Laboratory Corporation of America, LabCorp
Classification: Likely pathogenic for Rhizomelic chondrodysplasia punctata. Last evaluated: 2025-09-23. Review status: criteria provided, single submitter. Criteria: LabCorp Variant Classification Summary - May 2015. Collection method: clinical testing. Allele origin: germline.
Comment: Variant summary: AGPS c.926C>T (p.Thr309Ile) results in a non-conservative amino acid change in the encoded protein sequence. Algorithms developed to predict the effect of missense changes on protein structure and function all suggest that this variant is likely to be disruptive. The variant was absent in 251488 control chromosomes. c.926C>T has been observed in an individual affected with Isolated ADAPS deficiency/Rhizomelic Chondrodysplasia Punctata (Thai_2001). At least one publication reports experimental evidence evaluating an impact on protein function and the most pronounced variant effect results in non-detectable level of AGPS activity and lack of protein expression (Thai_2001). The following publications have been ascertained in the context of this evaluation (PMID: 21990100, 11152660). ClinVar contains an entry for this variant (Variation ID: 6646). Based on the evidence outlined above, the variant was classified as likely pathogenic.

Baylor Genetics
Classification: Likely pathogenic for Rhizomelic chondrodysplasia punctata type 3. Last evaluated: 2023-06-17. Review status: criteria provided, single submitter. Criteria: ACMG Guidelines, 2015. Collection method: clinical testing. Allele origin: unknown.

OMIM
Classification: Pathogenic for RHIZOMELIC CHONDRODYSPLASIA PUNCTATA, TYPE 3. Last evaluated: 2001-01-15. Review status: no assertion criteria provided. Collection method: literature only. Allele origin: germline. Not counted in ClinVar's aggregate classification.

Literature cited by the submitters: PubMed 21990100 (cited by Women's Health and Genetics/Laboratory Corporation of America, LabCorp); PubMed 11152660 (cited by Women's Health and Genetics/Laboratory Corporation of America, LabCorp and OMIM).